The following is an entry in ClinVar:

ClinVar aggregate classification (germline): Uncertain significance. Review status: criteria provided, multiple submitters, no conflicts (2 of 4 stars). 2 submissions from 2 submitters: Uncertain significance (2). Last evaluated 2022-05-26.

Conditions:
Neuronal ceroid lipofuscinosis 13 (CLN13). Also called: CEROID LIPOFUSCINOSIS, NEURONAL, 13 (KUFS TYPE); CLN13 Disease. Identifiers: Orphanet 352709, Orphanet 79262, MedGen C3715049, MONDO:0014147, OMIM 615362.

Allele frequency attached by ClinVar (database versions not stated): gnomAD 0.00002; TOPMed 0.00003; ESP Exome Variant Server 0.00008.

Submissions (2):

Center for Genomics, Ann and Robert H. Lurie Children's Hospital of Chicago
Classification: Uncertain significance for Neuronal ceroid lipofuscinosis 13. Last evaluated: 2022-05-26. Review status: criteria provided, single submitter. Criteria: ACMG Guidelines, 2015. Collection method: clinical testing. Allele origin: germline.
Comment: This variant has not been reported in the literature but is present in the Genome Aggregation Database (Highest reported MAF 0.002% (2/68042). This variant is present in ClinVar (Variation ID:1312809). Evolutionary conservation and computational predictive tools for this variant are unclear. In summary, data on this variant is insufficient for disease classification. Therefore, the clinical significance of this variant is uncertain.

GeneDx
Classification: Uncertain significance. Last evaluated: 2020-01-22. Review status: criteria provided, single submitter. Criteria: GeneDx Variant Classification Process June 2021. Collection method: clinical testing. Allele origin: germline. Affected: yes.
Comment: Not observed at a significant frequency in large population cohorts (Lek et al., 2016); In silico analysis, which includes protein predictors and evolutionary conservation, supports a deleterious effect; Has not been previously published as pathogenic or benign to our knowledge

NM_003793.4(CTSF):c.587G>A (p.Arg196Gln)

Gene: CTSF (cathepsin F; minus strand). Cytogenetic location: 11q13.2.
Variant type: single nucleotide variant.
Coding change: c.587G>A on transcript NM_003793.4 (MANE Select); coding-DNA position 587, G replaced by A.
Protein change: p.Arg196Gln; replaces arginine 196 with glutamine.
Molecular consequence: missense variant.
Genome position (GRCh38, 1-based): chr11:66,567,266, C>T on the plus strand (G>A on the coding strand, the complement: CTSF is on the minus strand). VCF-style: chr11-66567266-C-T. GRCh37 (hg19) VCF-style: chr11-66334737-C-T.
Other names: short protein forms R196Q.
Identifiers: ClinVar variation 1312809 (VCV001312809.3), dbSNP rs143814748, ClinGen allele CA6125528.